The following is an entry in ClinVar:

ClinVar aggregate classification (germline): Pathogenic/Likely pathogenic. Review status: criteria provided, multiple submitters, no conflicts (2 of 4 stars). 2 submissions from 2 submitters: Pathogenic (1); Likely pathogenic (1). Last evaluated 2023-10-01.

Conditions:
Wiskott-Aldrich syndrome (WAS). Also called: ALDRICH SYNDROME; IMMUNODEFICIENCY 2; WISKOTT-ALDRICH SYNDROME 1; Wiskott-aldrich syndrome, somatic. Identifiers: Orphanet 906, MedGen C0043194, MONDO:0010518, OMIM 301000.
X-linked severe congenital neutropenia (SCNX). Identifiers: Orphanet 86788, MedGen C1845987, MONDO:0010294, OMIM 300299.
Thrombocytopenia 1. Also called: X-Linked Thrombocytopenia (XLT); X-linked thrombocytopenia with normal platelets; THROMBOCYTOPENIA, X-LINKED, 1. Identifiers: Orphanet 268322, Orphanet 852, MedGen C1839163, MONDO:0010743, OMIM 313900.

Submissions (2):

CeGaT Center for Human Genetics Tuebingen
Classification: Pathogenic. Last evaluated: 2023-10-01. Review status: criteria provided, single submitter. Criteria: CeGaT Center For Human Genetics Tuebingen Variant Classification Criteria Version 2. Collection method: clinical testing. Allele origin: germline. Affected: yes. Observed: 2 variant alleles.
Comment: WAS: PVS1, PM2

Labcorp Genetics (formerly Invitae), Labcorp
Classification: Likely pathogenic for Wiskott-Aldrich syndrome; X-linked severe congenital neutropenia; Thrombocytopenia 1. Last evaluated: 2021-07-06. Review status: criteria provided, single submitter. Criteria: Invitae Variant Classification Sherloc (09022015). Collection method: clinical testing. Allele origin: germline.
Comment: Disruption of this splice site has been observed in individual(s) with features of WAS-related conditions (PMID: 15284122). In summary, the currently available evidence indicates that the variant is pathogenic, but additional data are needed to prove that conclusively. Therefore, this variant has been classified as Likely Pathogenic. Algorithms developed to predict the effect of sequence changes on RNA splicing suggest that this variant may disrupt the consensus splice site. This variant is also known as IVS10-2A>G. This variant is not present in population databases (ExAC no frequency). This sequence change affects an acceptor splice site in intron 10 of the WAS gene. It is expected to disrupt RNA splicing. Variants that disrupt the donor or acceptor splice site typically lead to a loss of protein function (PMID: 16199547), and loss-of-function variants in WAS are known to be pathogenic (PMID: 15284122).

Literature cited by the submitters: PubMed 15284122 (cited by Labcorp Genetics (formerly Invitae), Labcorp); PubMed 16199547 (cited by Labcorp Genetics (formerly Invitae), Labcorp).

NM_000377.3(WAS):c.1339-2A>G

Gene: WAS (WASP actin nucleation promoting factor; plus strand). Cytogenetic location: Xp11.23.
Variant type: single nucleotide variant.
Coding change: c.1339-2A>G on transcript NM_000377.3 (MANE Select); the canonical splice acceptor site of the intron before coding-DNA position 1339, A replaced by G.
Molecular consequence: splice acceptor variant.
Genome position (GRCh38, 1-based): chrX:48,689,318, A>G. VCF-style: chrX-48689318-A-G. GRCh37 (hg19) VCF-style: chrX-48547707-A-G.
Identifiers: ClinVar variation 1493038 (VCV001493038.33), dbSNP rs2147267240, ClinGen allele CA412873768.
Genomic context (GRCh38, chrX:48,689,318, plus strand): 5'-GCGGGGAGAAATGCTCCTTTCCCAGGCCCTAAGCCCTCTGTGCTGATCCCTGCCTGCTGC[A>G]GACCCCTGGGGCCCCAGAGAGCTCAGCGCTGCAGCCACCACCTCAGAGCTCAGAGGGACT-3'